The following is an entry in ClinVar:

NM_000355.4(TCN2):c.666C>T (p.Ala222=)

Gene: TCN2 (transcobalamin 2; plus strand). Cytogenetic location: 22q12.2.
Variant type: single nucleotide variant.
Coding change: c.666C>T on transcript NM_000355.4 (MANE Select); coding-DNA position 666, C replaced by T.
Protein change: p.Ala222=; no amino-acid change (alanine 222 retained).
Molecular consequence: synonymous variant.
Genome position (GRCh38, 1-based): chr22:30,615,386, C>T. VCF-style: chr22-30615386-C-T. GRCh37 (hg19) VCF-style: chr22-31011373-C-T.
Other names: c.585C>T, p.Ala195= (NM_001184726.2).
Identifiers: ClinVar variation 2653059 (VCV002653059.27), dbSNP rs1298870517, ClinGen allele CA514456480.

ClinVar aggregate classification (germline): Likely benign. Review status: criteria provided, multiple submitters, no conflicts (2 of 4 stars). 2 submissions from 2 submitters: Likely benign (2). Last evaluated 2025-06-09.

Conditions:
Transcobalamin II deficiency (TCN2D). Also called: TC II DEFICIENCY; TCN2 DEFICIENCY; Transcolabamin II deficiency. Identifiers: Orphanet 859, MedGen C0342701, MONDO:0010149, OMIM 275350.

Allele frequency attached by ClinVar (database versions not stated): gnomAD exomes below 0.00001.
gnomAD v4.1: 2 of 1,614,170 alleles (0.00012%); highest among the groups gnomAD compares: South Asian, 0.0011%; no homozygotes.

Submissions (2):

Labcorp Genetics (formerly Invitae), Labcorp
Classification: Likely benign for Transcobalamin II deficiency. Last evaluated: 2025-06-09. Review status: criteria provided, single submitter. Criteria: Invitae Variant Classification Sherloc (09022015). Collection method: clinical testing. Allele origin: germline.

CeGaT Center for Human Genetics Tuebingen
Classification: Likely benign. Last evaluated: 2022-07-01. Review status: criteria provided, single submitter. Criteria: CeGaT Center For Human Genetics Tuebingen Variant Classification Criteria Version 2. Collection method: clinical testing. Allele origin: germline. Affected: yes. Observed: 1 variant allele.
Comment: TCN2: BP4, BP7